The following is an entry in ClinVar:

NM_019109.5(ALG1):c.449G>A (p.Ser150Asn)

Gene: ALG1 (ALG1 chitobiosyldiphosphodolichol beta-mannosyltransferase; plus strand). Cytogenetic location: 16p13.3.
Variant type: single nucleotide variant.
Coding change: c.449G>A on transcript NM_019109.5 (MANE Select); coding-DNA position 449, G replaced by A.
Protein change: p.Ser150Asn; replaces serine 150 with asparagine.
Molecular consequence: missense variant.
Genome position (GRCh38, 1-based): chr16:5,075,446, G>A. VCF-style: chr16-5075446-G-A. GRCh37 (hg19) VCF-style: chr16-5125447-G-A.
Other names: c.116G>A, p.Ser39Asn (NM_001330504.2); c.449G>A, p.Ser150Asn (NM_001438123.1); short protein forms S150N, S39N.
Identifiers: ClinVar variation 4688385 (VCV004688385.1).

ClinVar aggregate classification (germline): Uncertain significance (1 of 4 stars; one submission).

gnomAD v4.1: 14 of 1,614,160 alleles (0.00087%); highest among the groups gnomAD compares: Non-Finnish European, 0.0012%; 1 homozygote.

Submission:

Women's Health and Genetics/Laboratory Corporation of America, LabCorp
Classification: Uncertain significance. Last evaluated: 2025-12-11. Review status: criteria provided, single submitter. Criteria: LabCorp Variant Classification Summary - May 2015. Collection method: clinical testing. Allele origin: germline.
Comment: Variant summary: ALG1 c.449G>A (p.Ser150Asn) results in a conservative amino acid change in the encoded protein sequence. Algorithms developed to predict the effect of missense changes on protein structure and function are either unavailable or do not agree on the potential impact of this missense change. The variant was absent in 251492 control chromosomes. The available data on variant occurrences in the general population are insufficient to allow any conclusion about variant significance. To our knowledge, no occurrence of c.449G>A in individuals affected with ALG1-related conditions and no experimental evidence demonstrating its impact on protein function have been reported. No submitters have cited clinical-significance assessments for this variant to ClinVar. Based on the evidence outlined above, the variant was classified as uncertain significance.